The following is an entry in ClinVar:

NM_000155.4(GALT):c.457G>A (p.Ala153Thr)

Gene: GALT (galactose-1-phosphate uridylyltransferase; plus strand). Cytogenetic location: 9p13.3.
Variant type: single nucleotide variant.
Coding change: c.457G>A on transcript NM_000155.4 (MANE Select); coding-DNA position 457, G replaced by A.
Protein change: p.Ala153Thr; replaces alanine 153 with threonine.
Molecular consequence: missense variant.
Genome position (GRCh38, 1-based): chr9:34,647,911, G>A. VCF-style: chr9-34647911-G-A. GRCh37 (hg19) VCF-style: chr9-34647908-G-A.
Other names: c.130G>A, p.Ala44Thr (NM_001258332.2); short protein forms A44T, A153T.
Identifiers: ClinVar variation 2145276 (VCV002145276.4), dbSNP rs751174705, ClinGen allele CA5036127.

ClinVar aggregate classification (germline): Uncertain significance (1 of 4 stars; one submission).

Conditions:
Deficiency of UDPglucose-hexose-1-phosphate uridylyltransferase. Also called: GALACTOSEMIA I; GALACTOSE-1-PHOSPHATE URIDYLYLTRANSFERASE DEFICIENCY; GALT deficiency; Galactosemia, classic; Transferase Deficiency Galactosemia. Identifiers: Orphanet 352, Orphanet 79239, MedGen C0268151, MONDO:0009258, OMIM 230400.

Allele frequency attached by ClinVar (database versions not stated): gnomAD exomes below 0.00001; ExAC 0.00001.

Submission:

Labcorp Genetics (formerly Invitae), Labcorp
Classification: Uncertain significance for Deficiency of UDPglucose-hexose-1-phosphate uridylyltransferase. Last evaluated: 2022-01-17. Review status: criteria provided, single submitter. Criteria: Invitae Variant Classification Sherloc (09022015). Collection method: clinical testing. Allele origin: germline.
Comment: This sequence change replaces alanine, which is neutral and non-polar, with threonine, which is neutral and polar, at codon 153 of the GALT protein (p.Ala153Thr). This variant is present in population databases (rs751174705, gnomAD 0.006%). This variant has not been reported in the literature in individuals affected with GALT-related conditions. Advanced modeling of protein sequence and biophysical properties (such as structural, functional, and spatial information, amino acid conservation, physicochemical variation, residue mobility, and thermodynamic stability) performed at Invitae indicates that this missense variant is not expected to disrupt GALT protein function. In summary, the available evidence is currently insufficient to determine the role of this variant in disease. Therefore, it has been classified as a Variant of Uncertain Significance.